The following is an entry in ClinVar:

ClinVar aggregate classification (germline): Pathogenic (1 of 4 stars; one submission).

Conditions:
DNA ligase IV deficiency. Identifiers: Orphanet 99812, MedGen C1847827, MONDO:0011686, OMIM 606593.

Submission:

Labcorp Genetics (formerly Invitae), Labcorp
Classification: Pathogenic for DNA ligase IV deficiency. Last evaluated: 2023-06-08. Review status: criteria provided, single submitter. Criteria: Invitae Variant Classification Sherloc (09022015). Collection method: clinical testing. Allele origin: germline.
Comment: This sequence change creates a premature translational stop signal (p.Tyr269*) in the LIG4 gene. While this is not anticipated to result in nonsense mediated decay, it is expected to disrupt the last 643 amino acid(s) of the LIG4 protein. This variant is not present in population databases (gnomAD no frequency). This variant has not been reported in the literature in individuals affected with LIG4-related conditions. This variant disrupts a region of the LIG4 protein in which other variant(s) (p.Gln904*) have been determined to be pathogenic (PMID: 34630384). This suggests that this is a clinically significant region of the protein, and that variants that disrupt it are likely to be disease-causing. For these reasons, this variant has been classified as Pathogenic.

Literature cited by the submitters: PubMed 34630384.

NM_206937.2(LIG4):c.807del (p.Phe268_Tyr269insTer)

Gene: LIG4 (DNA ligase 4; minus strand). Cytogenetic location: 13q33.3.
Variant type: Deletion.
Coding change: c.807del on transcript NM_206937.2 (MANE Select); coding-DNA position 807, one base deleted (C; older notation c.807delC).
Protein change: p.Phe268_Tyr269insTer.
Molecular consequence: nonsense.
Genome position (GRCh38, 1-based): chr13:108,210,462, G deleted on the plus strand (C on the coding strand, the reverse complement: LIG4 is on the minus strand). VCF-style (leftmost placement, unchanged base first): chr13-108210461-TG-T. GRCh37 (hg19) VCF-style: chr13-108862809-TG-T.
Other names: c.807del, p.Phe268_Tyr269insTer (NM_001098268.2, NM_001352598.2, NM_001352599.2 and 6 more transcripts); c.606del, p.Phe201_Tyr202insTer (NM_001330595.2); c.843del, p.Phe280_Tyr281insTer (NM_001352604.2).
Identifiers: ClinVar variation 2699025 (VCV002699025.3), dbSNP rs2501615465, ClinGen allele CA2697549265.